The following is an entry in ClinVar:

NM_201384.3(PLEC):c.4393G>A (p.Glu1465Lys)

Gene: PLEC (plectin; minus strand). Cytogenetic location: 8q24.3.
Variant type: single nucleotide variant.
Coding change: c.4393G>A on transcript NM_201384.3 (MANE Select); coding-DNA position 4393, G replaced by A.
Protein change: p.Glu1465Lys; replaces glutamic acid 1465 with lysine.
Molecular consequence: missense variant.
Genome position (GRCh38, 1-based): chr8:143,925,536, C>T on the plus strand (G>A on the coding strand, the complement: PLEC is on the minus strand). VCF-style: chr8-143925536-C-T. GRCh37 (hg19) VCF-style: chr8-144999704-C-T.
Other names: c.4474G>A, p.Glu1492Lys (NM_000445.5); c.4351G>A, p.Glu1451Lys (NM_201378.4); c.4327G>A, p.Glu1443Lys (NM_201379.3); c.4804G>A, p.Glu1602Lys (NM_201380.4); c.4297G>A, p.Glu1433Lys (NM_201381.3); c.4393G>A, p.Glu1465Lys (NM_201382.4); c.4405G>A, p.Glu1469Lys (NM_201383.3); c.4474G>A (NM_000445.3); short protein forms E1469K, E1451K, E1602K, E1443K, E1433K, E1465K, E1492K.
Identifiers: ClinVar variation 2041261 (VCV002041261.5), dbSNP rs782363849, ClinGen allele CA4926676.

ClinVar aggregate classification (germline): Uncertain significance. Review status: criteria provided, multiple submitters, no conflicts (2 of 4 stars). 2 submissions from 2 submitters: Uncertain significance (2). Last evaluated 2025-04-18.

Conditions:
Inborn genetic diseases. Identifiers: MedGen C0950123, MeSH D030342.
Epidermolysis bullosa simplex 5B, with muscular dystrophy (EBS5B). Also called: Epidermolysis bullosa simplex with muscular dystrophy; EPIDERMOLYSIS BULLOSA SIMPLEX AND LIMB-GIRDLE MUSCULAR DYSTROPHY. Identifiers: Orphanet 257, MedGen C2931072, MONDO:0009181, OMIM 226670.
Epidermolysis bullosa simplex, Ogna type (EBS5A). Also called: Pidermolysis bullosa simplex 5A, Ogna type; EPIDERMOLYSIS BULLOSA SIMPLEX 5A, OGNA TYPE. Identifiers: Orphanet 79401, MedGen C0432317, MONDO:0007555, OMIM 131950.
Epidermolysis bullosa simplex 5C, with pyloric atresia (EBS5C). Also called: PLEC-Related Epidermolysis Bullosa with Pyloric Atresia; Epidermolysis bullosa simplex with pyloric atresia; PLEC1-Related Epidermolysis Bullosa with Pyloric Atresia. Identifiers: Orphanet 158684, MedGen C2677349, MONDO:0012807, OMIM 612138.
Autosomal recessive limb-girdle muscular dystrophy type 2Q (LGMDR17). Also called: MUSCULAR DYSTROPHY, LIMB-GIRDLE, AUTOSOMAL RECESSIVE 17. Identifiers: Orphanet 254361, MedGen C3150989, MONDO:0013390, OMIM 613723.
Epidermolysis bullosa simplex with nail dystrophy (EBS5D). Identifiers: MedGen C4225309, MONDO:0014661, OMIM 616487.

Allele frequency attached by ClinVar (database versions not stated): ExAC 0.00001; gnomAD 0.00001; TOPMed 0.00001.
gnomAD v4.1: 12 of 1,594,600 alleles (0.00075%); highest among the groups gnomAD compares: African/African-American, 0.004%; no homozygotes.

Submissions (2):

Ambry Genetics
Classification: Uncertain significance for Inborn genetic diseases. Last evaluated: 2025-04-18. Review status: criteria provided, single submitter. Criteria: Ambry Variant Classification Scheme 2023. Collection method: clinical testing. Allele origin: germline.

Labcorp Genetics (formerly Invitae), Labcorp
Classification: Uncertain significance for Autosomal recessive limb-girdle muscular dystrophy type 2Q; Epidermolysis bullosa simplex, Ogna type; Epidermolysis bullosa simplex with nail dystrophy; Epidermolysis bullosa simplex 5C, with pyloric atresia; Epidermolysis bullosa simplex 5B, with muscular dystrophy. Last evaluated: 2024-02-17. Review status: criteria provided, single submitter. Criteria: Invitae Variant Classification Sherloc (09022015). Collection method: clinical testing. Allele origin: germline.
Comment: This sequence change replaces glutamic acid, which is acidic and polar, with lysine, which is basic and polar, at codon 1492 of the PLEC protein (p.Glu1492Lys). This variant is present in population databases (rs782363849, gnomAD 0.005%). This variant has not been reported in the literature in individuals affected with PLEC-related conditions. ClinVar contains an entry for this variant (Variation ID: 2041261). Experimental studies and prediction algorithms are not available or were not evaluated, and the functional significance of this variant is currently unknown. In summary, the available evidence is currently insufficient to determine the role of this variant in disease. Therefore, it has been classified as a Variant of Uncertain Significance.